The following is an entry in ClinVar:

NM_004446.3(EPRS1):c.4292A>G (p.Glu1431Gly)

Gene: EPRS1 (glutamyl-prolyl-tRNA synthetase 1; minus strand). Cytogenetic location: 1q41.
Variant type: single nucleotide variant.
Coding change: c.4292A>G on transcript NM_004446.3 (MANE Select); coding-DNA position 4292, A replaced by G.
Protein change: p.Glu1431Gly; replaces glutamic acid 1431 with glycine.
Molecular consequence: missense variant.
Genome position (GRCh38, 1-based): chr1:219,972,100, T>C on the plus strand (A>G on the coding strand, the complement: EPRS1 is on the minus strand). VCF-style: chr1-219972100-T-C. GRCh37 (hg19) VCF-style: chr1-220145442-T-C.
Other names: short protein forms E1431G.
Identifiers: ClinVar variation 2127759 (VCV002127759.4), dbSNP rs2527949176, ClinGen allele CA344625727.

ClinVar aggregate classification (germline): Uncertain significance (1 of 4 stars; one submission).

Submission:

Labcorp Genetics (formerly Invitae), Labcorp
Classification: Uncertain significance. Last evaluated: 2023-07-17. Review status: criteria provided, single submitter. Criteria: Invitae Variant Classification Sherloc (09022015). Collection method: clinical testing. Allele origin: germline.
Comment: This sequence change replaces glutamic acid, which is acidic and polar, with glycine, which is neutral and non-polar, at codon 1431 of the EPRS protein (p.Glu1431Gly). This variant is not present in population databases (gnomAD no frequency). In summary, the available evidence is currently insufficient to determine the role of this variant in disease. Therefore, it has been classified as a Variant of Uncertain Significance. An algorithm developed to predict the effect of missense changes on protein structure and function (PolyPhen-2) suggests that this variant is likely to be tolerated. ClinVar contains an entry for this variant (Variation ID: 2127759). This variant has not been reported in the literature in individuals affected with EPRS-related conditions.